The following is an entry in ClinVar:

ClinVar aggregate classification (germline): Likely benign. Review status: criteria provided, multiple submitters, no conflicts (2 of 4 stars). 2 submissions from 2 submitters: Likely benign (2). Last evaluated 2025-03-04.

Conditions:
Marfan syndrome (MFS). Also called: MARFAN SYNDROME, TYPE I; Marfan syndrome type 1; Marfan's syndrome; Marfan syndrome, classic; FBN1-Related Marfan Syndrome. Identifiers: Orphanet 284963, Orphanet 558, MedGen C0024796, MONDO:0007947, OMIM 154700.
Familial thoracic aortic aneurysm and aortic dissection (TAAD). Also called: Thoracic aortic aneurysms and dissections. Identifiers: Orphanet 91387, MedGen C4707243, MONDO:0019625.

Submissions (2):

Labcorp Genetics (formerly Invitae), Labcorp
Classification: Likely benign for Marfan syndrome; Familial thoracic aortic aneurysm and aortic dissection. Last evaluated: 2025-03-04. Review status: criteria provided, single submitter. Criteria: Invitae Variant Classification Sherloc (09022015). Collection method: clinical testing. Allele origin: germline.

All of Us Research Program, National Institutes of Health
Classification: Likely benign for Marfan syndrome. Last evaluated: 2023-10-02. Review status: criteria provided, single submitter. Criteria: ACMG Guidelines, 2015. Collection method: clinical testing. Allele origin: germline. Inheritance: Autosomal dominant inheritance. Observed: 1 variant allele, 1 heterozygote.
Comment: This study involves interpretation of variants in research participants for the purpose of population health screening. Participant phenotype was not available at the time of variant classification. Additional details can be found in publication PMID: 35346344, PMCID: PMC8962531

NM_000138.5(FBN1):c.6864C>T (p.Gly2288=)

Gene: FBN1 (fibrillin 1; minus strand). Cytogenetic location: 15q21.1.
Variant type: single nucleotide variant.
Coding change: c.6864C>T on transcript NM_000138.5 (MANE Select); coding-DNA position 6864, C replaced by T.
Protein change: p.Gly2288=; no amino-acid change (glycine 2288 retained).
Molecular consequence: synonymous variant.
Genome position (GRCh38, 1-based): chr15:48,430,678, G>A on the plus strand (C>T on the coding strand, the complement: FBN1 is on the minus strand). VCF-style: chr15-48430678-G-A. GRCh37 (hg19) VCF-style: chr15-48722875-G-A.
Other names: c.6864C>T, p.Gly2288= (NM_001406716.1).
Identifiers: ClinVar variation 3073607 (VCV003073607.2), dbSNP rs2505419779, ClinGen allele CA490018116.